The following is an entry in ClinVar:

ClinVar aggregate classification (germline): Likely benign. Review status: criteria provided, multiple submitters, no conflicts (2 of 4 stars). 3 submissions from 3 submitters: Likely benign (2). 1 of the submissions does not count toward it. Last evaluated 2026-01-19.

Conditions:
ZNF469-related disorder. Also called: ZNF469-related condition.
Cardiovascular phenotype. Identifiers: MedGen CN230736.

Allele frequency attached by ClinVar (database versions not stated): gnomAD 0.00005; gnomAD exomes 0.00005 and 0.00007; TOPMed 0.00005.
gnomAD v4.1: 98 of 1,548,500 alleles (0.0063%); highest among the groups gnomAD compares: Middle Eastern, 0.033%; no homozygotes.

Submissions (3):

Labcorp Genetics (formerly Invitae), Labcorp
Classification: Likely benign. Last evaluated: 2026-01-19. Review status: criteria provided, single submitter. Criteria: Invitae Variant Classification Sherloc (09022015). Collection method: clinical testing. Allele origin: germline.

Ambry Genetics
Classification: Likely benign for Cardiovascular phenotype. Last evaluated: 2022-07-11. Review status: criteria provided, single submitter. Criteria: Ambry Variant Classification Scheme 2023. Collection method: clinical testing. Allele origin: germline.

PreventionGenetics, part of Exact Sciences
Classification: Likely benign for ZNF469-related condition. Last evaluated: 2019-02-21. Review status: no assertion criteria provided. Collection method: clinical testing. Allele origin: germline. Not counted in ClinVar's aggregate classification.
Comment: This variant is classified as likely benign based on ACMG/AMP sequence variant interpretation guidelines (Richards et al. 2015 PMID: 25741868, with internal and published modifications).

NM_001367624.2(ZNF469):c.1395C>T (p.Asn465=)

Gene: ZNF469 (zinc finger protein 469; plus strand). Cytogenetic location: 16q24.2.
Variant type: single nucleotide variant.
Coding change: c.1395C>T on transcript NM_001367624.2 (MANE Select); coding-DNA position 1395, C replaced by T.
Protein change: p.Asn465=; no amino-acid change (asparagine 465 retained).
Molecular consequence: synonymous variant.
Genome position (GRCh38, 1-based): chr16:88,428,865, C>T. VCF-style: chr16-88428865-C-T. GRCh37 (hg19) VCF-style: chr16-88495273-C-T.
Other names: NM_001127464.1:c.1395C>T; NM_001127464.2:c.1395C>T.
Identifiers: ClinVar variation 1575523 (VCV001575523.12), dbSNP rs1031554679, ClinGen allele CA286372640.